The following is an entry in ClinVar:

ClinVar aggregate classification (germline): Uncertain significance (1 of 4 stars; one submission).

gnomAD v4.1: 2 of 1,614,182 alleles (0.00012%); highest among the groups gnomAD compares: Non-Finnish European, 0.00017%; no homozygotes.

Submission:

Labcorp Genetics (formerly Invitae), Labcorp
Classification: Uncertain significance. Last evaluated: 2024-12-16. Review status: criteria provided, single submitter. Criteria: Invitae Variant Classification Sherloc (09022015). Collection method: clinical testing. Allele origin: germline.
Comment: This sequence change replaces serine, which is neutral and polar, with arginine, which is basic and polar, at codon 1113 of the PCNT protein (p.Ser1113Arg). This variant is present in population databases (rs61735805, gnomAD 0.0009%). This variant has not been reported in the literature in individuals affected with PCNT-related conditions. ClinVar contains an entry for this variant (Variation ID: 1514361). An algorithm developed to predict the effect of missense changes on protein structure and function outputs the following: PolyPhen-2: "Possibly Damaging". The arginine amino acid residue is found in multiple mammalian species, which suggests that this missense change does not adversely affect protein function. In summary, the available evidence is currently insufficient to determine the role of this variant in disease. Therefore, it has been classified as a Variant of Uncertain Significance.

NM_006031.6(PCNT):c.3339T>G (p.Ser1113Arg)

Gene: PCNT (pericentrin; plus strand). Cytogenetic location: 21q22.3.
Variant type: single nucleotide variant.
Coding change: c.3339T>G on transcript NM_006031.6 (MANE Select); coding-DNA position 3339, T replaced by G.
Protein change: p.Ser1113Arg; replaces serine 1113 with arginine.
Molecular consequence: missense variant.
Genome position (GRCh38, 1-based): chr21:46,385,858, T>G. VCF-style: chr21-46385858-T-G. GRCh37 (hg19) VCF-style: chr21-47805773-T-G.
Other names: c.2985T>G, p.Ser995Arg (NM_001315529.2); short protein forms S1113R, S995R.
Identifiers: ClinVar variation 1514361 (VCV001514361.8), dbSNP rs61735805, ClinGen allele CA10079260.